The following is an entry in ClinVar:

ClinVar aggregate classification (germline): Uncertain significance (1 of 4 stars; one submission).

Conditions:
Hereditary motor and sensory neuropathy, Okinawa type (HMSNO). Also called: HEREDITARY MOTOR AND SENSORY NEUROPATHY, PROXIMAL TYPE. Identifiers: Orphanet 90117, MedGen C1858338, MONDO:0011468, OMIM 604484.
Hereditary spastic paraplegia 57. Also called: Spastic paraplegia 57, autosomal recessive. Identifiers: Orphanet 431329, MedGen C3714897, MONDO:0014295, OMIM 615658.

Allele frequency attached by ClinVar (database versions not stated): TOPMed below 0.00001; gnomAD 0.00001.
gnomAD v4.1: 1 of 1,472,666 alleles (0.000068%); highest among the groups gnomAD compares: African/African-American, 0.0014%; no homozygotes.

Submission:

Labcorp Genetics (formerly Invitae), Labcorp
Classification: Uncertain significance for Hereditary motor and sensory neuropathy, Okinawa type; Hereditary spastic paraplegia 57. Last evaluated: 2023-02-21. Review status: criteria provided, single submitter. Criteria: Invitae Variant Classification Sherloc (09022015). Collection method: clinical testing. Allele origin: germline.
Comment: In summary, the available evidence is currently insufficient to determine the role of this variant in disease. Therefore, it has been classified as a Variant of Uncertain Significance. An algorithm developed to predict the effect of missense changes on protein structure and function (PolyPhen-2) suggests that this variant is likely to be disruptive. This variant has not been reported in the literature in individuals affected with TFG-related conditions. This variant is not present in population databases (gnomAD no frequency). This sequence change replaces glutamic acid, which is acidic and polar, with aspartic acid, which is acidic and polar, at codon 61 of the TFG protein (p.Glu61Asp).

NM_006070.6(TFG):c.183A>C (p.Glu61Asp)

Gene: TFG (trafficking from ER to golgi regulator; plus strand). Cytogenetic location: 3q12.2.
Variant type: single nucleotide variant.
Coding change: c.183A>C on transcript NM_006070.6 (MANE Select); coding-DNA position 183, A replaced by C.
Protein change: p.Glu61Asp; replaces glutamic acid 61 with aspartic acid.
Molecular consequence: missense variant.
Genome position (GRCh38, 1-based): chr3:100,713,868, A>C. VCF-style: chr3-100713868-A-C. GRCh37 (hg19) VCF-style: chr3-100432712-A-C.
Other names: c.183A>C, p.Glu61Asp (NM_001007565.2, NM_001195478.2, NM_001195479.2); short protein forms E61D.
Identifiers: ClinVar variation 1897727 (VCV001897727.5), dbSNP rs2095037817, ClinGen allele CA353837324.